The following is an entry in ClinVar:

ClinVar aggregate classification (germline): Conflicting classifications of pathogenicity. Review status: criteria provided, conflicting classifications (1 of 4 stars). 2 submissions from 2 submitters: Pathogenic (1); Uncertain significance (1). Last evaluated 2020-05-21.

Conditions:
Charcot-Marie-Tooth disease type 2. Also called: Charcot-Marie-Tooth type 2. Identifiers: Orphanet 64746, MedGen C0270914, MONDO:0018993.

Allele frequency attached by ClinVar (database versions not stated): gnomAD exomes below 0.00001.
gnomAD v4.1: 1 of 1,598,088 alleles (0.000063%); highest among the groups gnomAD compares: Non-Finnish European, 0.000085%; no homozygotes.

Submissions (2):

Labcorp Genetics (formerly Invitae), Labcorp
Classification: Pathogenic for Charcot-Marie-Tooth disease type 2. Last evaluated: 2020-05-21. Review status: criteria provided, single submitter. Criteria: Invitae Variant Classification Sherloc (09022015). Collection method: clinical testing. Allele origin: germline.
Comment: This sequence change replaces arginine with serine at codon 41 of the LMNA protein (p.Arg41Ser). The arginine residue is highly conserved and there is a moderate physicochemical difference between arginine and serine. Algorithms developed to predict the effect of missense changes on protein structure and function (SIFT, PolyPhen-2, Align-GVGD) all suggest that this variant is likely to be disruptive, but these predictions have not been confirmed by published functional studies and their clinical significance is uncertain. This variant has been observed in an individual affected with LMNA-related disease (PMID: 20980393). This variant has also been observed to be de novo in an individuals affected with LMNA-related disease (Invitae). ClinVar contains an entry for this variant (Variation ID: 648598). For these reasons, this variant has been classified as Pathogenic. Variants that disrupt the p.Arg41 amino acid residue in LMNA have been observed in affected individuals (PMID: 29250285, Invitae). This suggests that it is a clinically significant residue, and that other variants that disrupt this residue are likely to be causative of disease. This variant is not present in population databases (ExAC no frequency).

Revvity Omics, Revvity
Classification: Uncertain significance. Last evaluated: 2019-09-18. Review status: criteria provided, single submitter. Criteria: ACMG Guidelines, 2015. Collection method: clinical testing. Allele origin: germline.

Literature cited by the submitters: PubMed 20980393 (cited by Labcorp Genetics (formerly Invitae), Labcorp); PubMed 29250285 (cited by Labcorp Genetics (formerly Invitae), Labcorp).

NM_170707.4(LMNA):c.121C>A (p.Arg41Ser)

Gene: LMNA (lamin A/C; plus strand). Cytogenetic location: 1q22.
Variant type: single nucleotide variant.
Coding change: c.121C>A on transcript NM_170707.4 (MANE Select); coding-DNA position 121, C replaced by A.
Protein change: p.Arg41Ser; replaces arginine 41 with serine.
Molecular consequence: missense variant.
Genome position (GRCh38, 1-based): chr1:156,115,039, C>A. VCF-style: chr1-156115039-C-A. GRCh37 (hg19) VCF-style: chr1-156084830-C-A.
Other names: c.121C>A, p.Arg41Ser (NM_001282625.2, NM_001282626.2, NM_005572.4 and 1 more transcripts); short protein forms R41S.
Identifiers: ClinVar variation 648598 (VCV000648598.11), dbSNP rs1572332164, ClinGen allele CA342807733.